The following is an entry in ClinVar:

ClinVar aggregate classification (germline): Uncertain significance (1 of 4 stars; one submission).

Conditions:
Hereditary nonpolyposis colorectal neoplasms. Identifiers: MedGen C0009405, MeSH D003123.

Submission:

Labcorp Genetics (formerly Invitae), Labcorp
Classification: Uncertain significance for Hereditary nonpolyposis colorectal neoplasms. Last evaluated: 2025-08-12. Review status: criteria provided, single submitter. Criteria: Invitae Variant Classification Sherloc (09022015). Collection method: clinical testing. Allele origin: germline.
Comment: This sequence change replaces glutamine, which is neutral and polar, with glutamic acid, which is acidic and polar, at codon 638 of the PMS2 protein (p.Gln638Glu). This variant is present in population databases (rs764342199, gnomAD 0.006%). This variant has not been reported in the literature in individuals affected with PMS2-related conditions. Invitae Evidence Modeling incorporating data from in vitro experimental studies (internal data) indicates that this missense variant is not expected to disrupt PMS2 function with a negative predictive value of 95%. In summary, the available evidence is currently insufficient to determine the role of this variant in disease. Therefore, it has been classified as a Variant of Uncertain Significance.

NM_000535.7(PMS2):c.1912C>G (p.Gln638Glu)

Gene: PMS2 (PMS1 homolog 2, mismatch repair system component; minus strand). Cytogenetic location: 7p22.1.
Variant type: single nucleotide variant.
Coding change: c.1912C>G on transcript NM_000535.7 (MANE Select); coding-DNA position 1912, C replaced by G.
Protein change: p.Gln638Glu; replaces glutamine 638 with glutamic acid.
Molecular consequence: missense variant. On other transcripts: non-coding transcript variant (1), intron variant (1).
Genome position (GRCh38, 1-based): chr7:5,986,853, G>C on the plus strand (C>G on the coding strand, the complement: PMS2 is on the minus strand). VCF-style: chr7-5986853-G-C. GRCh37 (hg19) VCF-style: chr7-6026484-G-C.
Other names: c.1507C>G, p.Gln503Glu (NM_001322003.2, NM_001322004.2, NM_001322005.2 and 16 more transcripts); c.1756C>G, p.Gln586Glu (NM_001322006.2, NM_001406870.1); c.1594C>G, p.Gln532Glu (NM_001322007.2, NM_001322008.2, NM_001406876.1 and 2 more transcripts); c.1351C>G, p.Gln451Glu (NM_001322010.2, NM_001406906.1, NM_001406907.1); c.979C>G, p.Gln327Glu (NM_001322011.2, NM_001322012.2); c.1339C>G, p.Gln447Glu (NM_001322013.2, NM_001406909.1); c.1912C>G, p.Gln638Glu (NM_001322014.2, NM_001406871.1, NM_001406872.1); c.1603C>G, p.Gln535Glu (NM_001322015.2, NM_001406875.1, NM_001406877.1 and 5 more transcripts); and 13 more; short protein forms Q447E, Q480E, Q530E, Q532E, Q582E, Q327E, Q451E, Q516E.
Identifiers: ClinVar variation 4711002 (VCV004711002.1).